The following is an entry in ClinVar:

NM_018489.3(ASH1L):c.4682C>G (p.Pro1561Arg)

Gene: ASH1L (ASH1 like histone lysine methyltransferase; minus strand). Cytogenetic location: 1q22.
Variant type: single nucleotide variant.
Coding change: c.4682C>G on transcript NM_018489.3 (MANE Select); coding-DNA position 4682, C replaced by G.
Protein change: p.Pro1561Arg; replaces proline 1561 with arginine.
Molecular consequence: missense variant.
Genome position (GRCh38, 1-based): chr1:155,478,188, G>C on the plus strand (C>G on the coding strand, the complement: ASH1L is on the minus strand). VCF-style: chr1-155478188-G-C. GRCh37 (hg19) VCF-style: chr1-155447979-G-C.
Other names: c.4682C>G, p.Pro1561Arg (NM_001366177.2); short protein forms P1561R.
Identifiers: ClinVar variation 1704771 (VCV001704771.3), dbSNP rs2527145604, ClinGen allele CA342699436.

ClinVar aggregate classification (germline): Uncertain significance (1 of 4 stars; one submission).

Submission:

GeneDx
Classification: Uncertain significance. Last evaluated: 2025-08-31. Review status: criteria provided, single submitter. Criteria: GeneDx Variant Classification Process June 2021. Collection method: clinical testing. Allele origin: germline. Affected: yes.
Comment: Not observed at significant frequency in large population cohorts (gnomAD); In silico analysis suggests that this missense variant does not alter protein structure/function; Has not been previously published as pathogenic or benign to our knowledge